The following is an entry in ClinVar:

NM_002444.3(MSN):c.845C>T (p.Ala282Val)

Gene: MSN (moesin; plus strand). Cytogenetic location: Xq12.
Variant type: single nucleotide variant.
Coding change: c.845C>T on transcript NM_002444.3 (MANE Select); coding-DNA position 845, C replaced by T.
Protein change: p.Ala282Val; replaces alanine 282 with valine.
Molecular consequence: missense variant.
Genome position (GRCh38, 1-based): chrX:65,735,316, C>T. VCF-style: chrX-65735316-C-T. GRCh37 (hg19) VCF-style: chrX-64955178-C-T.
Other names: short protein forms A282V.
Identifiers: ClinVar variation 3611166 (VCV003611166.2).

ClinVar aggregate classification (germline): Uncertain significance (1 of 4 stars; one submission).

Submission:

Labcorp Genetics (formerly Invitae), Labcorp
Classification: Uncertain significance. Last evaluated: 2024-11-28. Review status: criteria provided, single submitter. Criteria: Invitae Variant Classification Sherloc (09022015). Collection method: clinical testing. Allele origin: germline.
Comment: This sequence change replaces alanine, which is neutral and non-polar, with valine, which is neutral and non-polar, at codon 282 of the MSN protein (p.Ala282Val). This variant is not present in population databases (gnomAD no frequency). This variant has not been reported in the literature in individuals affected with MSN-related conditions. An algorithm developed to predict the effect of missense changes on protein structure and function (PolyPhen-2) suggests that this variant is likely to be disruptive. In summary, the available evidence is currently insufficient to determine the role of this variant in disease. Therefore, it has been classified as a Variant of Uncertain Significance.